The following is an entry in ClinVar:

NM_001211.6(BUB1B):c.442G>A (p.Gly148Ser)

Gene: BUB1B (BUB1 mitotic checkpoint serine/threonine kinase B; plus strand). Cytogenetic location: 15q15.1.
Variant type: single nucleotide variant.
Coding change: c.442G>A on transcript NM_001211.6 (MANE Select); coding-DNA position 442, G replaced by A.
Protein change: p.Gly148Ser; replaces glycine 148 with serine.
Molecular consequence: missense variant.
Genome position (GRCh38, 1-based): chr15:40,176,534, G>A. VCF-style: chr15-40176534-G-A. GRCh37 (hg19) VCF-style: chr15-40468735-G-A.
Other names: short protein forms G148S.
Identifiers: ClinVar variation 1740544 (VCV001740544.2), dbSNP rs2542524041, ClinGen allele CA391681169.

ClinVar aggregate classification (germline): Uncertain significance (1 of 4 stars; one submission).

Conditions:
Inborn genetic diseases. Identifiers: MedGen C0950123, MeSH D030342.

Allele frequency attached by ClinVar (database versions not stated): gnomAD exomes below 0.00001.
gnomAD v4.1: 2 of 1,614,038 alleles (0.00012%); highest among the groups gnomAD compares: Non-Finnish European, 0.00017%; no homozygotes.

Submission:

Ambry Genetics
Classification: Uncertain significance for Inborn genetic diseases. Last evaluated: 2021-10-13. Review status: criteria provided, single submitter. Criteria: Ambry Variant Classification Scheme 2023. Collection method: clinical testing. Allele origin: germline.
Comment: The p.G148S variant (also known as c.442G>A), located in coding exon 5 of the BUB1B gene, results from a G to A substitution at nucleotide position 442. The glycine at codon 148 is replaced by serine, an amino acid with similar properties. This amino acid position is conserved. In addition, this alteration is predicted to be deleterious by in silico analysis. Since supporting evidence is limited at this time, the clinical significance of this alteration remains unclear.